The following is an entry in ClinVar:

NM_004977.3(KCNC3):c.1850C>T (p.Pro617Leu)

Gene: KCNC3 (potassium voltage-gated channel subfamily C member 3; minus strand). Cytogenetic location: 19q13.33.
Variant type: single nucleotide variant.
Coding change: c.1850C>T on transcript NM_004977.3 (MANE Select); coding-DNA position 1850, C replaced by T.
Protein change: p.Pro617Leu; replaces proline 617 with leucine.
Molecular consequence: missense variant.
Genome position (GRCh38, 1-based): chr19:50,323,103, G>A on the plus strand (C>T on the coding strand, the complement: KCNC3 is on the minus strand). VCF-style: chr19-50323103-G-A. GRCh37 (hg19) VCF-style: chr19-50826360-G-A.
Other names: c.1622C>T, p.Pro541Leu (NM_001372305.1); short protein forms P541L, P617L.
Identifiers: ClinVar variation 1064691 (VCV001064691.3), dbSNP rs1284948650, ClinGen allele CA406949744.

ClinVar aggregate classification (germline): Uncertain significance (1 of 4 stars; one submission).

Conditions:
Spinocerebellar ataxia type 13 (SCA13). Also called: Spinocerebellar Ataxia Type13. Identifiers: Orphanet 98768, MedGen C1854488, MONDO:0011529, OMIM 605259.

Submission:

Foundation for Research in Genetics and Endocrinology, FRIGE's Institute of Human Genetics
Classification: Uncertain significance for Spinocerebellar ataxia type 13. Last evaluated: 2020-12-18. Review status: criteria provided, single submitter. Criteria: ACMG Guidelines, 2015. Collection method: clinical testing. Allele origin: germline. Inheritance: Autosomal dominant inheritance. Affected: yes. Observed: 1 variant allele, 1 heterozygote.
Comment: A heterozygous missense variation in exon 2 of the KCNC3 gene that results in the amino acid substitution of Leucine for Proline at codon 617 was detected. The observed variant c.1850C>T (p.Pro617Leu) has not been reported in the 1000 genomes and ExAC databases. The in silico prediction of the variant is damaging by MutationTaster2. The reference codon is conserved across species. In summary, the variant meets our criteria to be classified as a variant of uncertain significance.